The following is an entry in ClinVar:

NM_004782.4(SNAP29):c.*26T>C

Gene: SNAP29 (synaptosome associated protein 29; plus strand). Cytogenetic location: 22q11.21.
Variant type: single nucleotide variant.
Coding change: c.*26T>C on transcript NM_004782.4 (MANE Select); 26 bases downstream of the stop codon, T replaced by C.
Molecular consequence: 3 prime UTR variant.
Genome position (GRCh38, 1-based): chr22:20,887,862, T>C. VCF-style: chr22-20887862-T-C. GRCh37 (hg19) VCF-style: chr22-21242150-T-C.
Identifiers: ClinVar variation 901297 (VCV000901297.4), dbSNP rs144082104, ClinGen allele CA10117242.

ClinVar aggregate classification (germline): Likely benign (1 of 4 stars; one submission).

Conditions:
CEDNIK syndrome. Also called: Cerebral dysgenesis, neuropathy, ichthyosis, and palmoplantar keratoderma; CEREBRAL DYSGENESIS, NEUROPATHY, ICHTHYOSIS, AND PALMOPLANTAR KERATODERMA SYNDROME. Identifiers: Orphanet 66631, MedGen C1836033, MONDO:0012290, OMIM 609528.

Allele frequency attached by ClinVar (database versions not stated): 1000 Genomes Project 0.00080; 1000 Genomes Project 30x 0.00109; TOPMed 0.00341; ESP Exome Variant Server 0.00377; gnomAD 0.00437 and 0.00470; gnomAD exomes 0.00489 and 0.00556; ExAC 0.00511.

Submission:

Illumina Laboratory Services, Illumina
Classification: Likely benign for CEDNIK syndrome. Last evaluated: 2018-01-13. Review status: criteria provided, single submitter. Criteria: ICSL Variant Classification Criteria 13 December 2019. Collection method: clinical testing. Allele origin: germline.
Comment: This variant was observed in the ICSL laboratory as part of a predisposition screen in an ostensibly healthy population. It had not been previously curated by ICSL or reported in the Human Gene Mutation Database (HGMD: prior to June 1st, 2018), and was therefore a candidate for classification through an automated scoring system. Utilizing variant allele frequency, disease prevalence and penetrance estimates, and inheritance mode, an automated score was calculated to assess if this variant is too frequent to cause the disease. Based on the score and internal cut-off values, a variant classified as likely benign is not then subjected to further curation. The score for this variant resulted in a classification of likely benign for this disease.